The following is an entry in ClinVar:

NM_012062.5(DNM1L):c.322C>T (p.Arg108Ter)

Gene: DNM1L (dynamin 1 like; plus strand). Cytogenetic location: 12p11.21.
Variant type: single nucleotide variant.
Coding change: c.322C>T on transcript NM_012062.5 (MANE Select); coding-DNA position 322, C replaced by T.
Protein change: p.Arg108Ter; replaces arginine 108 with a stop codon.
Molecular consequence: nonsense. On other transcripts: intron variant (1).
Genome position (GRCh38, 1-based): chr12:32,708,177, C>T. VCF-style: chr12-32708177-C-T. GRCh37 (hg19) VCF-style: chr12-32861111-C-T.
Other names: c.322C>T, p.Arg108Ter (NM_001278463.2, NM_005690.5, NM_012063.4); c.361C>T, p.Arg121Ter (NM_001278464.2, NM_001278465.2, NM_001330380.2); c.131+764C>T (NM_001278466.2); short protein forms R121*, R108*.
Identifiers: ClinVar variation 3716101 (VCV003716101.2).
Genomic context (GRCh38, chr12:32,708,177, plus strand): 5'-TTGAATATTATGCTTTTTTATTTCAAAAATTTTTAGCTTTACACGGATTTTGATGAAATT[C>T]GACAAGAAATTGAAAATGAAACAGAAAGAATTTCAGGAAATAATAAGGTAGGCATCTTTT-3'

ClinVar aggregate classification (germline): Pathogenic (1 of 4 stars; one submission).

Submission:

Labcorp Genetics (formerly Invitae), Labcorp
Classification: Pathogenic. Last evaluated: 2025-01-11. Review status: criteria provided, single submitter. Criteria: Invitae Variant Classification Sherloc (09022015). Collection method: clinical testing. Allele origin: germline.
Comment: This sequence change creates a premature translational stop signal (p.Arg108*) in the DNM1L gene. It is expected to result in an absent or disrupted protein product. Loss-of-function variants in DNM1L are known to be pathogenic (PMID: 26825290, 27328748). This variant is not present in population databases (gnomAD no frequency). This variant has not been reported in the literature in individuals affected with DNM1L-related conditions. For these reasons, this variant has been classified as Pathogenic.

Literature cited by the submitters: PubMed 26825290; PubMed 27328748.